The following is an entry in ClinVar:

NM_004525.3(LRP2):c.849T>A (p.Tyr283Ter)

Gene: LRP2 (LDL receptor related protein 2; minus strand). Cytogenetic location: 2q31.1.
Variant type: single nucleotide variant.
Coding change: c.849T>A on transcript NM_004525.3 (MANE Select); coding-DNA position 849, T replaced by A.
Protein change: p.Tyr283Ter; replaces tyrosine 283 with a stop codon.
Molecular consequence: nonsense.
Genome position (GRCh38, 1-based): chr2:169,290,918, A>T on the plus strand (T>A on the coding strand, the complement: LRP2 is on the minus strand). VCF-style: chr2-169290918-A-T. GRCh37 (hg19) VCF-style: chr2-170147428-A-T.
Other names: short protein forms Y283*.
Identifiers: ClinVar variation 5016046 (VCV005016046.1).

ClinVar aggregate classification (germline): Pathogenic (1 of 4 stars; one submission).

Conditions:
Donnai-Barrow syndrome. Also called: DBS/FOAR SYNDROME; FACIOOCULOACOUSTICORENAL SYNDROME. Identifiers: Orphanet 2143, MedGen C1857277, MONDO:0009104, OMIM 222448.

Submission:

Myriad Genetics, Inc.
Classification: Pathogenic for Donnai-Barrow syndrome. Last evaluated: 2026-06-17. Review status: criteria provided, single submitter. Criteria: Myriad Autosomal Dominant, Autosomal Recessive and X-Linked Classification Criteria (2023). Collection method: clinical testing. Allele origin: unknown.
Comment: NM_004525.2(LRP2):c.849T>A(Y283*) is expected to be pathogenic in the context of Donnai-Barrow syndrome. This variant is predicted to lead to an abnormal or absent protein product due to the creation of a premature termination codon in LRP2, a gene where loss-of-function variants are known to be pathogenic. Please note: this variant was assessed in the context of healthy population screening.